The following is an entry in ClinVar:

ClinVar aggregate classification (germline): Uncertain significance. Review status: criteria provided, single submitter (1 of 4 stars). 2 submissions from 2 submitters: Uncertain significance (1). 1 of the submissions does not count toward it. Last evaluated 2019-06-13.

Conditions:
TTN-related disorder. Also called: TTN-related condition; TTN-related disease; TTN-related disorders.

Allele frequency attached by ClinVar (database versions not stated): gnomAD exomes 0.00001; TOPMed 0.00001; ExAC 0.00004.
gnomAD v4.1: 6 of 1,613,426 alleles (0.00037%); highest among the groups gnomAD compares: East Asian, 0.0089%; no homozygotes.

Submissions (2):

Revvity Omics, Revvity
Classification: Uncertain significance. Last evaluated: 2019-06-13. Review status: criteria provided, single submitter. Criteria: ACMG Guidelines, 2015. Collection method: clinical testing. Allele origin: germline.

PreventionGenetics, part of Exact Sciences
Classification: Uncertain significance for TTN-related condition. Last evaluated: 2024-06-03. Review status: no assertion criteria provided. Collection method: clinical testing. Allele origin: germline. Not counted in ClinVar's aggregate classification.
Comment: The TTN c.73291G>A variant is predicted to result in the amino acid substitution p.Asp24431Asn. To our knowledge, this variant has not been reported in the literature. This variant is reported in 0.050% of alleles in individuals of East Asian descent in gnomAD. Although we suspect that this variant may be benign, at this time, the clinical significance of this variant is uncertain due to the absence of conclusive functional and genetic evidence.

NM_001267550.2(TTN):c.73291G>A (p.Asp24431Asn)

Genes: TTN (titin; minus strand), TTN-AS1 (TTN antisense RNA 1; plus strand). Cytogenetic location: 2q31.2.
Variant type: single nucleotide variant.
Coding change: c.73291G>A on transcript NM_001267550.2 (MANE Select); coding-DNA position 73291, G replaced by A.
Protein change: p.Asp24431Asn; replaces aspartic acid 24431 with asparagine.
Molecular consequence: missense variant.
Genome position (GRCh38, 1-based): chr2:178,572,841, C>T on the plus strand (G>A on the coding strand, the complement: TTN is on the minus strand). VCF-style: chr2-178572841-C-T. GRCh37 (hg19) VCF-style: chr2-179437568-C-T.
Other names: c.68368G>A, p.Asp22790Asn (NM_001256850.1); c.46096G>A, p.Asp15366Asn (NM_003319.4); c.65587G>A, p.Asp21863Asn (NM_133378.4); c.46471G>A, p.Asp15491Asn (NM_133432.3); c.46672G>A, p.Asp15558Asn (NM_133437.4); short protein forms D15366N, D15491N, D15558N, D21863N, D22790N, D24431N.
Identifiers: ClinVar variation 2438225 (VCV002438225.4), dbSNP rs757317072, ClinGen allele CA1990390.
Genomic context (GRCh38, chr2:178,572,841, plus strand): 5'-GAACAAAAAGTCTCAGGGTGCAGCAGGCCCTTATAGTAACAACTTTGCGCAGGTCAGCAT[C>T]CAGTTCAATTTCTGGAGGCAGCATTCTGTCTTCAGCCTTTGGAGTTCCAGGAACAAGGGC-3'
Protein context (NP_001254479.2, residues 24421-24441): DRMLPPEIEL[Asp24431Asn]ADLRKVVTIR